The following is an entry in ClinVar:

ClinVar aggregate classification (germline): other (0 of 4 stars; one submission).

Conditions:
Familial colorectal cancer. Identifiers: MedGen CN280943, MONDO:0023113. Disease mechanism: loss of function.

Submission:

Systems Biology Platform Zhejiang California International NanoSystems Institute
Classification: other for Familial colorectal cancer. Review status: no assertion criteria provided. Collection method: not provided. Allele origin: unknown.
ClinVar note: Converted during submission from cancer to other.

NM_000038.6(APC):c.729+964A>C

Gene: APC (APC regulator of WNT signaling pathway; plus strand). Cytogenetic location: 5q22.2.
Variant type: single nucleotide variant.
Coding change: c.729+964A>C on transcript NM_000038.6 (MANE Select); 964 bases into the intron after coding-DNA position 729, A replaced by C.
Molecular consequence: intron variant.
Genome position (GRCh38, 1-based): chr5:112,793,493, A>C. VCF-style: chr5-112793493-A-C. GRCh37 (hg19) VCF-style: chr5-112129190-A-C.
Other names: c.729+964A>C (NM_001354895.2, NM_001127510.3, NM_001354896.2 and 1 more transcripts); c.759+964A>C (NM_001354897.2, NM_001354902.2); c.676-7786A>C (NM_001127511.3); c.654+964A>C (NM_001354898.2, NM_001354904.2); c.-307+964A>C (NM_001354906.2); c.646-7786A>C (NM_001354899.2); c.552+964A>C (NM_001354900.2, NM_001354901.2, NM_001354905.2).
Identifiers: ClinVar variation 82482 (VCV000082482.2), dbSNP rs78406999, ClinGen allele CA013255.